The following is an entry in ClinVar:

NM_004364.5(CEBPA):c.507A>C (p.Glu169Asp)

Gene: CEBPA (CCAAT enhancer binding protein alpha; minus strand). Cytogenetic location: 19q13.11.
Variant type: single nucleotide variant.
Coding change: c.507A>C on transcript NM_004364.5 (MANE Select); coding-DNA position 507, A replaced by C.
Protein change: p.Glu169Asp; replaces glutamic acid 169 with aspartic acid.
Molecular consequence: missense variant.
Genome position (GRCh38, 1-based): chr19:33,301,908, T>G on the plus strand (A>C on the coding strand, the complement: CEBPA is on the minus strand). VCF-style: chr19-33301908-T-G. GRCh37 (hg19) VCF-style: chr19-33792814-T-G.
Other names: c.150A>C, p.Glu50Asp (NM_001285829.2); c.612A>C, p.Glu204Asp (NM_001287424.2); c.465A>C, p.Glu155Asp (NM_001287435.2); short protein forms E155D, E204D, E169D, E50D.
Identifiers: ClinVar variation 3999990 (VCV003999990.1).
Genomic context (GRCh38, chr19:33,301,908, plus strand): 5'-GGGCGGCGGCGGCGGCGGCGGCTGGTAAGGGAAGAGGCCGGCCAGCGCCAGCTGCTTGGC[T>G]TCATCCTCCTCGCGGGGCTCCTGCTTGATCACCAGCGGCCGCAGCGCCGGCGCCCCGACG-3'
Protein context (NP_004355.2, residues 159-179): VIKQEPREED[Glu169Asp]AKQLALAGLF

ClinVar aggregate classification (germline): Uncertain significance (1 of 4 stars; one submission).

Conditions:
Inborn genetic diseases. Identifiers: MedGen C0950123, MeSH D030342.

Submission:

Ambry Genetics
Classification: Uncertain significance for Inborn genetic diseases. Last evaluated: 2025-04-09. Review status: criteria provided, single submitter. Criteria: Ambry Variant Classification Scheme 2023. Collection method: clinical testing. Allele origin: germline.
Comment: The p.E169D variant (also known as c.507A>C), located in coding exon 1 of the CEBPA gene, results from an A to C substitution at nucleotide position 507. The glutamic acid at codon 169 is replaced by aspartic acid, an amino acid with highly similar properties. This amino acid position is conserved. In addition, this alteration is predicted to be tolerated by in silico analysis. Based on the available evidence, the clinical significance of this variant remains unclear.